The following is an entry in ClinVar:

NM_006312.6(NCOR2):c.3111C>T (p.Ala1037=)

Gene: NCOR2 (nuclear receptor corepressor 2; minus strand). Cytogenetic location: 12q24.31.
Variant type: single nucleotide variant.
Coding change: c.3111C>T on transcript NM_006312.6 (MANE Select); coding-DNA position 3111, C replaced by T.
Protein change: p.Ala1037=; no amino-acid change (alanine 1037 retained).
Molecular consequence: synonymous variant.
Genome position (GRCh38, 1-based): chr12:124,356,772, G>A on the plus strand (C>T on the coding strand, the complement: NCOR2 is on the minus strand). VCF-style: chr12-124356772-G-A. GRCh37 (hg19) VCF-style: chr12-124841318-G-A.
Other names: c.3081C>T, p.Ala1027= (NM_001077261.4, NM_001206654.2).
Identifiers: ClinVar variation 3056908 (VCV003056908.2), dbSNP rs111850964, ClinGen allele CA6868806.

ClinVar aggregate classification (germline): Benign (0 of 4 stars; one submission).

Conditions:
NCOR2-related disorder. Also called: NCOR2-related condition.

Allele frequency attached by ClinVar (database versions not stated): gnomAD exomes 0.00463; 1000 Genomes Project 30x 0.01093; gnomAD 0.01106; ExAC 0.01116; 1000 Genomes Project 0.01158; ESP Exome Variant Server 0.01158; TOPMed 0.01194.
gnomAD v4.1: 7,909 of 1,475,248 alleles (0.54%); highest among the groups gnomAD compares: African/African-American, 2.8%; 59 homozygotes.

Submission:

PreventionGenetics, part of Exact Sciences
Classification: Benign for NCOR2-related condition. Last evaluated: 2019-02-20. Review status: no assertion criteria provided. Collection method: clinical testing. Allele origin: germline.
Comment: This variant is classified as benign based on ACMG/AMP sequence variant interpretation guidelines (Richards et al. 2015 PMID: 25741868, with internal and published modifications).